The following is an entry in ClinVar:

ClinVar aggregate classification (germline): Uncertain significance (1 of 4 stars; one submission).

Conditions:
Developmental and epileptic encephalopathy, 23 (DEE23). Also called: Epileptic encephalopathy, early infantile, 23. Identifiers: Orphanet 411986, MedGen C4014492, MONDO:0014371, OMIM 615859.

gnomAD v4.1: 1 of 1,613,002 alleles (0.000062%); highest among the groups gnomAD compares: Non-Finnish European, 0.000085%; no homozygotes.

Submission:

Labcorp Genetics (formerly Invitae), Labcorp
Classification: Uncertain significance for Developmental and epileptic encephalopathy, 23. Last evaluated: 2025-02-20. Review status: criteria provided, single submitter. Criteria: Invitae Variant Classification Sherloc (09022015). Collection method: clinical testing. Allele origin: germline.
Comment: This sequence change replaces isoleucine, which is neutral and non-polar, with threonine, which is neutral and polar, at codon 583 of the DOCK7 protein (p.Ile583Thr). This variant is present in population databases (no rsID available, gnomAD 0.0009%). This variant has not been reported in the literature in individuals affected with DOCK7-related conditions. Invitae Evidence Modeling of protein sequence and biophysical properties (such as structural, functional, and spatial information, amino acid conservation, physicochemical variation, residue mobility, and thermodynamic stability) indicates that this missense variant is expected to disrupt DOCK7 protein function with a positive predictive value of 80%. In summary, the available evidence is currently insufficient to determine the role of this variant in disease. Therefore, it has been classified as a Variant of Uncertain Significance.

NM_001367561.1(DOCK7):c.1748T>C (p.Ile583Thr)

Gene: DOCK7 (dedicator of cytokinesis 7; minus strand). Cytogenetic location: 1p31.3.
Variant type: single nucleotide variant.
Coding change: c.1748T>C on transcript NM_001367561.1 (MANE Select); coding-DNA position 1748, T replaced by C.
Protein change: p.Ile583Thr; replaces isoleucine 583 with threonine.
Molecular consequence: missense variant.
Genome position (GRCh38, 1-based): chr1:62,586,559, A>G on the plus strand (T>C on the coding strand, the complement: DOCK7 is on the minus strand). VCF-style: chr1-62586559-A-G. GRCh37 (hg19) VCF-style: chr1-63052230-A-G.
Other names: c.1748T>C, p.Ile583Thr (NM_001271999.2, NM_001272000.2, NM_001272001.2 and 3 more transcripts); short protein forms I583T.
Identifiers: ClinVar variation 4695701 (VCV004695701.1).
Genomic context (GRCh38, chr1:62,586,559, plus strand): 5'-TTTCTTACCGGCATGGCATTGCTTGGATCCTCTCCATACATAAACTGGACTTTCACTGTT[A>G]TATTTCTAGCAGAACCTTGACGATTGGCAAAATTAAGACTCTGAGGGTATATGTAGAGAA-3'
Protein context (NP_001354490.1, residues 573-593): FANRQGSARN[Ile583Thr]TVKVQFMYGE